The following is an entry in ClinVar:

NM_000338.3(SLC12A1):c.1925_1926del (p.Val642fs)

Genes: SLC12A1 (solute carrier family 12 member 1; plus strand), LOC126862123 (CDK7 strongly-dependent group 2 enhancer GRCh37_chr15:48543423-48544622; plus strand). Cytogenetic location: 15q21.1.
Variant type: Microsatellite.
Coding change: c.1925_1926del on transcript NM_000338.3 (MANE Select); coding-DNA positions 1925 to 1926, 2 bases deleted (TG; older notation c.1925_1926delTG).
Protein change: p.Val642fs; shifts the reading frame from valine 642.
Molecular consequence: frameshift variant.
Genome position (GRCh38, 1-based): chr15:48,251,753-48,251,754, TG deleted; deleting any 2 consecutive bases within chr15:48,251,751-48,251,754 gives the same sequence; the c. name uses the placement nearest the transcript's 3' end. VCF-style (leftmost placement, unchanged base first): chr15-48251750-ATG-A. GRCh37 (hg19) VCF-style: chr15-48543947-ATG-A.
Other names: c.1925_1926del, p.Val642fs (NM_001184832.2, NM_001384136.1); short protein forms V642fs.
Identifiers: ClinVar variation 2756010 (VCV002756010.3), dbSNP rs2505099559, ClinGen allele CA2697549046.

ClinVar aggregate classification (germline): Pathogenic (1 of 4 stars; one submission).

Submission:

Labcorp Genetics (formerly Invitae), Labcorp
Classification: Pathogenic. Last evaluated: 2023-09-05. Review status: criteria provided, single submitter. Criteria: Invitae Variant Classification Sherloc (09022015). Collection method: clinical testing. Allele origin: germline.
Comment: For these reasons, this variant has been classified as Pathogenic. This variant has not been reported in the literature in individuals affected with SLC12A1-related conditions. This variant is not present in population databases (gnomAD no frequency). This sequence change creates a premature translational stop signal (p.Val642Aspfs*3) in the SLC12A1 gene. It is expected to result in an absent or disrupted protein product. Loss-of-function variants in SLC12A1 are known to be pathogenic (PMID: 8640224, 9585600, 19096086).

Literature cited by the submitters: PubMed 8640224; PubMed 9585600; PubMed 19096086.